The following is an entry in ClinVar:

NM_000038.6(APC):c.4347G>A (p.Lys1449=)

Gene: APC (APC regulator of Wnt signaling pathway; plus strand). Cytogenetic location: 5q22.2.
Variant type: single nucleotide variant.
Coding change: c.4347G>A on transcript NM_000038.6 (MANE Select); coding-DNA position 4347, G replaced by A.
Protein change: p.Lys1449=; no amino-acid change (lysine 1449 retained).
Molecular consequence: synonymous variant.
Genome position (GRCh38, 1-based): chr5:112,839,941, G>A. VCF-style: chr5-112839941-G-A. GRCh37 (hg19) VCF-style: chr5-112175638-G-A.
Other names: c.4347G>A, p.Lys1449= (NM_001127510.3, NM_001354895.2); c.4293G>A, p.Lys1431= (NM_001127511.3); c.4401G>A, p.Lys1467= (NM_001354896.2); c.4377G>A, p.Lys1459= (NM_001354897.2); c.4272G>A, p.Lys1424= (NM_001354898.2); c.4263G>A, p.Lys1421= (NM_001354899.2); c.4224G>A, p.Lys1408= (NM_001354900.2); c.4170G>A, p.Lys1390= (NM_001354901.2); and 5 more.
Identifiers: ClinVar variation 630193 (VCV000630193.14), dbSNP rs759982621, ClinGen allele CA038738.

ClinVar aggregate classification (germline): Benign/Likely benign. Review status: criteria provided, multiple submitters, no conflicts (2 of 4 stars). 4 submissions from 4 submitters: Benign (1); Likely benign (3). Last evaluated 2024-03-26.

Conditions:
Hereditary cancer-predisposing syndrome. Also called: Neoplastic Syndromes, Hereditary; Tumor predisposition; Hereditary neoplastic syndrome; Hereditary Cancer Syndrome. Identifiers: Orphanet 140162, MedGen C0027672, MeSH D009386, MONDO:0015356.
Familial adenomatous polyposis 1 (FAP1). Also called: POLYPOSIS, ADENOMATOUS INTESTINAL; FAMILIAL ADENOMATOUS POLYPOSIS 1, ATTENUATED. Identifiers: MedGen C2713442, MONDO:0021056, OMIM 175100. Disease mechanism: loss of function.

Allele frequency attached by ClinVar (database versions not stated): gnomAD exomes below 0.00001 and 0.00001; ExAC 0.00001.
gnomAD v4.1: 2 of 1,614,082 alleles (0.00012%); highest among the groups gnomAD compares: Non-Finnish European, 0.00017%; no homozygotes.

Submissions (4):

Myriad Genetics, Inc.
Classification: Benign for Familial adenomatous polyposis 1. Last evaluated: 2024-03-26. Review status: criteria provided, single submitter. Criteria: Myriad Autosomal Dominant, Autosomal Recessive and X-Linked Classification Criteria (2023). Collection method: clinical testing. Allele origin: unknown.
Comment: This variant is considered benign. This variant is a silent/synonymous amino acid change and it is not expected to impact splicing.

Labcorp Genetics (formerly Invitae), Labcorp
Classification: Likely benign for Familial adenomatous polyposis 1. Last evaluated: 2023-12-27. Review status: criteria provided, single submitter. Criteria: Invitae Variant Classification Sherloc (09022015). Collection method: clinical testing. Allele origin: germline.

Ambry Genetics
Classification: Likely benign for Hereditary cancer-predisposing syndrome. Last evaluated: 2019-10-08. Review status: criteria provided, single submitter. Criteria: Ambry Variant Classification Scheme 2023. Collection method: clinical testing. Allele origin: germline.

Color Diagnostics, LLC DBA Color Health
Classification: Likely benign for Hereditary cancer-predisposing syndrome. Last evaluated: 2017-11-30. Review status: criteria provided, single submitter. Criteria: ACMG Guidelines, 2015. Collection method: clinical testing. Allele origin: germline.